The following is an entry in ClinVar:

ClinVar aggregate classification (germline): Uncertain significance (1 of 4 stars; one submission).

gnomAD v4.1: 5 of 1,604,812 alleles (0.00031%); highest among the groups gnomAD compares: Admixed American, 0.0033%; no homozygotes.

Submission:

Labcorp Genetics (formerly Invitae), Labcorp
Classification: Uncertain significance. Last evaluated: 2025-01-06. Review status: criteria provided, single submitter. Criteria: Invitae Variant Classification Sherloc (09022015). Collection method: clinical testing. Allele origin: germline.
Comment: This sequence change replaces glycine, which is neutral and non-polar, with glutamic acid, which is acidic and polar, at codon 383 of the FSCN2 protein (p.Gly383Glu). This variant is present in population databases (no rsID available, gnomAD 0.003%). This variant has not been reported in the literature in individuals affected with FSCN2-related conditions. An algorithm developed to predict the effect of missense changes on protein structure and function (PolyPhen-2) suggests that this variant is likely to be tolerated. In summary, the available evidence is currently insufficient to determine the role of this variant in disease. Therefore, it has been classified as a Variant of Uncertain Significance.

NM_012418.4(FSCN2):c.1106-30G>A

Gene: FSCN2 (fascin actin-bundling protein 2, retinal; plus strand). Cytogenetic location: 17q25.3.
Variant type: single nucleotide variant.
Coding change: c.1106-30G>A on transcript NM_012418.4 (MANE Select); 30 bases into the intron before coding-DNA position 1106, G replaced by A.
Molecular consequence: intron variant. On other transcripts: missense variant (1).
Genome position (GRCh38, 1-based): chr17:81,536,592, G>A. VCF-style: chr17-81536592-G-A. GRCh37 (hg19) VCF-style: chr17-79503618-G-A.
Other names: c.1148G>A, p.Gly383Glu (NM_001077182.3); short protein forms G383E.
Identifiers: ClinVar variation 3690520 (VCV003690520.2).